The following is an entry in ClinVar:

NM_015450.3(POT1):c.1225C>T (p.Pro409Ser)

Gene: POT1 (protection of telomeres 1; minus strand). Cytogenetic location: 7q31.33.
Variant type: single nucleotide variant.
Coding change: c.1225C>T on transcript NM_015450.3 (MANE Select); coding-DNA position 1225, C replaced by T.
Protein change: p.Pro409Ser; replaces proline 409 with serine.
Molecular consequence: missense variant. On other transcripts: non-coding transcript variant (3).
Genome position (GRCh38, 1-based): chr7:124,841,117, G>A on the plus strand (C>T on the coding strand, the complement: POT1 is on the minus strand). VCF-style: chr7-124841117-G-A. GRCh37 (hg19) VCF-style: chr7-124481171-G-A.
Other names: c.832C>T, p.Pro278Ser (NM_001042594.2); short protein forms P278S, P409S.
Identifiers: ClinVar variation 855563 (VCV000855563.12), dbSNP rs1230052693, ClinGen allele CA369067547.
Genomic context (GRCh38, chr7:124,841,117, plus strand): 5'-GATTTTTAGTGGTCCAGATTTTTGAATCATATAATGATGTATTTTGTAGCTTGACATCTG[G>A]GGTTTTAGTTGCACCATCCTGAAAAATTATATCCAAATCGCCCTCATGTGGAACTTCTTG-3'
Protein context (NP_056265.2, residues 399-419): IIFQDGATKT[Pro409Ser]DVKLQNTSLY

ClinVar aggregate classification (germline): Uncertain significance. Review status: criteria provided, multiple submitters, no conflicts (2 of 4 stars). 2 submissions from 2 submitters: Uncertain significance (2). Last evaluated 2025-08-23.

Conditions:
Tumor predisposition syndrome 3 (TPDS3). Also called: Melanoma, cutaneous malignant, susceptibility to, 10; Glioma susceptibility 9; LONG TELOMERE SYNDROME, POT1-RELATED; POT1 Tumor Predisposition. Identifiers: Orphanet 618, MedGen C4014476, MONDO:0014368, OMIM 615848.
Hereditary cancer-predisposing syndrome. Also called: Neoplastic Syndromes, Hereditary; Hereditary neoplastic syndrome; Tumor predisposition; Hereditary Cancer Syndrome. Identifiers: Orphanet 140162, MedGen C0027672, MeSH D009386, MONDO:0015356.

Allele frequency attached by ClinVar (database versions not stated): gnomAD exomes below 0.00001; gnomAD 0.00001; TOPMed 0.00001.
gnomAD v4.1: 4 of 1,612,576 alleles (0.00025%); highest among the groups gnomAD compares: Non-Finnish European, 0.00034%; no homozygotes.

Submissions (2):

Ambry Genetics
Classification: Uncertain significance for Hereditary cancer-predisposing syndrome. Last evaluated: 2025-08-23. Review status: criteria provided, single submitter. Criteria: Ambry Variant Classification Scheme 2023. Collection method: clinical testing. Allele origin: germline.
Comment: The p.P409S variant (also known as c.1225C>T), located in coding exon 10 of the POT1 gene, results from a C to T substitution at nucleotide position 1225. The proline at codon 409 is replaced by serine, an amino acid with similar properties. This amino acid position is conserved. In addition, this alteration is predicted to be tolerated by in silico analysis. Since supporting evidence is limited at this time, the clinical significance of this alteration remains unclear.

Labcorp Genetics (formerly Invitae), Labcorp
Classification: Uncertain significance for Tumor predisposition syndrome 3. Last evaluated: 2024-10-21. Review status: criteria provided, single submitter. Criteria: Invitae Variant Classification Sherloc (09022015). Collection method: clinical testing. Allele origin: germline.
Comment: This sequence change replaces proline, which is neutral and non-polar, with serine, which is neutral and polar, at codon 409 of the POT1 protein (p.Pro409Ser). This variant is not present in population databases (gnomAD no frequency). This variant has not been reported in the literature in individuals affected with POT1-related conditions. ClinVar contains an entry for this variant (Variation ID: 855563). Invitae Evidence Modeling of protein sequence and biophysical properties (such as structural, functional, and spatial information, amino acid conservation, physicochemical variation, residue mobility, and thermodynamic stability) indicates that this missense variant is not expected to disrupt POT1 protein function with a negative predictive value of 80%. In summary, the available evidence is currently insufficient to determine the role of this variant in disease. Therefore, it has been classified as a Variant of Uncertain Significance.